The following is an entry in ClinVar:

NM_004370.6(COL12A1):c.7923G>T (p.Lys2641Asn)

Gene: COL12A1 (collagen type XII alpha 1 chain; minus strand). Cytogenetic location: 6q13.
Variant type: single nucleotide variant.
Coding change: c.7923G>T on transcript NM_004370.6 (MANE Select); coding-DNA position 7923, G replaced by T.
Protein change: p.Lys2641Asn; replaces lysine 2641 with asparagine.
Molecular consequence: missense variant.
Genome position (GRCh38, 1-based): chr6:75,113,231, C>A on the plus strand (G>T on the coding strand, the complement: COL12A1 is on the minus strand). VCF-style: chr6-75113231-C-A. GRCh37 (hg19) VCF-style: chr6-75822947-C-A.
Other names: c.7923G>T, p.Lys2641Asn (NM_001424113.1); c.7902G>T, p.Lys2634Asn (NM_001424114.1); c.7650G>T, p.Lys2550Asn (NM_001424115.1); c.4431G>T, p.Lys1477Asn (NM_001424116.1, NM_080645.3); short protein forms K1477N, K2550N, K2634N, K2641N.
Identifiers: ClinVar variation 4847158 (VCV004847158.1).

ClinVar aggregate classification (germline): Uncertain significance (1 of 4 stars; one submission).

gnomAD v4.1: 1 of 1,560,140 alleles (0.000064%); highest among the groups gnomAD compares: East Asian, 0.0024%; no homozygotes.

Submission:

Women's Health and Genetics/Laboratory Corporation of America, LabCorp
Classification: Uncertain significance. Last evaluated: 2026-03-17. Review status: criteria provided, single submitter. Criteria: LabCorp Variant Classification Summary - May 2015. Collection method: clinical testing. Allele origin: germline.
Comment: Variant summary: COL12A1 c.7923G>T (p.Lys2641Asn) results in a non-conservative amino acid change in the encoded protein sequence. Algorithms developed to predict the effect of missense changes on protein structure and function are either unavailable or do not agree on the potential impact of this missense change. The variant was absent in 215490 control chromosomes. The available data on variant occurrences in the general population are insufficient to allow any conclusion about variant significance. To our knowledge, no occurrence of c.7923G>T in individuals affected with COL12A1-related conditions and no experimental evidence demonstrating its impact on protein function have been reported. No submitters have cited clinical-significance assessments for this variant to ClinVar. Based on the evidence outlined above, the variant was classified as uncertain significance.